The following is an entry in ClinVar:

NM_005228.5(EGFR):c.1932_1935dup (p.Ile646fs)

Gene: EGFR (epidermal growth factor receptor; plus strand). Cytogenetic location: 7p11.2.
Variant type: Duplication.
Coding change: c.1932_1935dup on transcript NM_005228.5 (MANE Select); coding-DNA positions 1932 to 1935, 4 bases duplicated (GTCC; older notation c.1932_1935dupGTCC).
Protein change: p.Ile646fs; shifts the reading frame from isoleucine 646.
Molecular consequence: frameshift variant.
Genome position (GRCh38, 1-based): chr7:55,172,995-55,172,998, GTCC duplicated; duplicating any 4 consecutive bases within chr7:55,172,993-55,172,998 gives the same sequence; the c. name uses the placement nearest the transcript's 3' end. VCF-style (leftmost placement, unchanged base first): chr7-55172992-C-CCCGT. GRCh37 (hg19) VCF-style: chr7-55240685-C-CCCGT.
Other names: c.1797_1800dup, p.Ile601fs (NM_001346897.2, NM_001346899.2); c.1932_1935dup, p.Ile646fs (NM_001346898.2); c.1773_1776dup, p.Ile593fs (NM_001346900.2); c.1131_1134dup, p.Ile379fs (NM_001346941.2); short protein forms I379fs, I593fs, I601fs, I646fs.
Identifiers: ClinVar variation 3346517 (VCV003346517.1).

ClinVar aggregate classification (germline): Uncertain significance (0 of 4 stars; one submission).

Conditions:
EGFR-related disorder. Also called: EGFR-related condition.

Submission:

PreventionGenetics, part of Exact Sciences
Classification: Uncertain significance for EGFR-related condition. Last evaluated: 2024-07-29. Review status: no assertion criteria provided. Collection method: clinical testing. Allele origin: germline.
Comment: The EGFR c.1932_1935dupGTCC variant is predicted to result in a frameshift and premature protein termination (p.Ile646Valfs*67). To our knowledge, this variant has not been reported in the literature or in a large population database, indicating this variant is rare. At this time, the clinical significance of this variant is uncertain due to the absence of conclusive functional and genetic evidence.